The following is an entry in ClinVar:

NM_001374736.1(DST):c.3322G>A (p.Asp1108Asn)

Gene: DST (dystonin; minus strand). Cytogenetic location: 6p12.1.
Variant type: single nucleotide variant.
Coding change: c.3322G>A on transcript NM_001374736.1 (MANE Select); coding-DNA position 3322, G replaced by A.
Protein change: p.Asp1108Asn; replaces aspartic acid 1108 with asparagine.
Molecular consequence: missense variant.
Genome position (GRCh38, 1-based): chr6:56,634,818, C>T on the plus strand (G>A on the coding strand, the complement: DST is on the minus strand). VCF-style: chr6-56634818-C-T. GRCh37 (hg19) VCF-style: chr6-56499616-C-T.
Other names: c.3223G>A, p.Asp1075Asn (NM_001144769.5); c.2809G>A, p.Asp937Asn (NM_001144770.2); c.3322G>A, p.Asp1108Asn (NM_001374722.1); c.2689G>A, p.Asp897Asn (NM_001374729.1, NM_001374730.1, NM_001386100.1 and 1 more transcripts); c.3349G>A, p.Asp1117Asn (NM_001374734.1); c.1711G>A, p.Asp571Asn (NM_001723.7, NM_015548.5); short protein forms D897N, D937N, D1075N, D1108N, D1117N, D571N.
Identifiers: ClinVar variation 1491726 (VCV001491726.6), dbSNP rs2152765965, ClinGen allele CA364576218.

ClinVar aggregate classification (germline): Uncertain significance (1 of 4 stars; one submission).

Conditions:
Epidermolysis bullosa simplex 3, localized or generalized intermediate, with BP230 deficiency (EBS3). Also called: Epidermolysis bullosa simplex, autosomal recessive 2; Epidermolysis bullosa simplex due to BP230 deficiency. Identifiers: Orphanet 412181, MedGen C3809470, MONDO:0014180, OMIM 615425.
Hereditary sensory and autonomic neuropathy type 6. Also called: Neuropathy, hereditary sensory and autonomic, type VI; HSAN VI. Identifiers: Orphanet 314381, MedGen C3539003, MONDO:0013839, OMIM 614653.

Submission:

Labcorp Genetics (formerly Invitae), Labcorp
Classification: Uncertain significance for Epidermolysis bullosa simplex 3, localized or generalized intermediate, with BP230 deficiency; Hereditary sensory and autonomic neuropathy type 6. Last evaluated: 2021-11-30. Review status: criteria provided, single submitter. Criteria: Invitae Variant Classification Sherloc (09022015). Collection method: clinical testing. Allele origin: germline.
Comment: This sequence change replaces aspartic acid, which is acidic and polar, with asparagine, which is neutral and polar, at codon 571 of the DST protein (p.Asp571Asn). This variant is not present in population databases (gnomAD no frequency). This variant has not been reported in the literature in individuals affected with DST-related conditions. Algorithms developed to predict the effect of missense changes on protein structure and function are either unavailable or do not agree on the potential impact of this missense change (SIFT: "Deleterious"; PolyPhen-2: "Probably Damaging"; Align-GVGD: "Class C15"). In summary, the available evidence is currently insufficient to determine the role of this variant in disease. Therefore, it has been classified as a Variant of Uncertain Significance.